The following is an entry in ClinVar:

NM_033026.6(PCLO):c.7664C>T (p.Pro2555Leu)

Gene: PCLO (piccolo presynaptic cytomatrix protein; minus strand). Cytogenetic location: 7q21.11.
Variant type: single nucleotide variant.
Coding change: c.7664C>T on transcript NM_033026.6 (MANE Select); coding-DNA position 7664, C replaced by T.
Protein change: p.Pro2555Leu; replaces proline 2555 with leucine.
Molecular consequence: missense variant.
Genome position (GRCh38, 1-based): chr7:82,953,289, G>A on the plus strand (C>T on the coding strand, the complement: PCLO is on the minus strand). VCF-style: chr7-82953289-G-A. GRCh37 (hg19) VCF-style: chr7-82582605-G-A.
Other names: c.7664C>T, p.Pro2555Leu (NM_014510.3); c.7664C>T (NM_033026.5); short protein forms P2555L.
Identifiers: ClinVar variation 1365205 (VCV001365205.7), dbSNP rs749947727, ClinGen allele CA4320265.

ClinVar aggregate classification (germline): Uncertain significance. Review status: criteria provided, multiple submitters, no conflicts (2 of 4 stars). 3 submissions from 3 submitters: Uncertain significance (3). Last evaluated 2024-06-05.

Conditions:
Inborn genetic diseases. Identifiers: MedGen C0950123, MeSH D030342.
Pontocerebellar hypoplasia type 3 (PCH3). Also called: CEREBELLAR ATROPHY WITH PROGRESSIVE MICROCEPHALY; PCH WITH OPTIC ATROPHY. Identifiers: Orphanet 97249, MedGen C1842687, MONDO:0011948, OMIM 608027.

Allele frequency attached by ClinVar (database versions not stated): ExAC 0.00001; gnomAD exomes 0.00001.
gnomAD v4.1: 19 of 1,613,696 alleles (0.0012%); highest among the groups gnomAD compares: South Asian, 0.02%; 1 homozygote.

Submissions (3):

Ambry Genetics
Classification: Uncertain significance for Inborn genetic diseases. Last evaluated: 2024-06-05. Review status: criteria provided, single submitter. Criteria: Ambry Variant Classification Scheme 2023. Collection method: clinical testing. Allele origin: germline.

Labcorp Genetics (formerly Invitae), Labcorp
Classification: Uncertain significance. Last evaluated: 2023-08-17. Review status: criteria provided, single submitter. Criteria: Invitae Variant Classification Sherloc (09022015). Collection method: clinical testing. Allele origin: germline.
Comment: This sequence change replaces proline, which is neutral and non-polar, with leucine, which is neutral and non-polar, at codon 2555 of the PCLO protein (p.Pro2555Leu). This variant is present in population databases (rs749947727, gnomAD 0.01%). This variant has not been reported in the literature in individuals affected with PCLO-related conditions. ClinVar contains an entry for this variant (Variation ID: 1365205). Experimental studies and prediction algorithms are not available or were not evaluated, and the functional significance of this variant is currently unknown. In summary, the available evidence is currently insufficient to determine the role of this variant in disease. Therefore, it has been classified as a Variant of Uncertain Significance.

Institute of Human Genetics, University Hospital of Duesseldorf
Classification: Uncertain significance for Pontocerebellar hypoplasia type 3. Review status: criteria provided, single submitter. Criteria: ACMG Guidelines, 2015. Collection method: not provided. Allele origin: germline. Inheritance: Autosomal recessive inheritance. Affected: yes.